The following is an entry in ClinVar:

ClinVar aggregate classification (germline): Uncertain significance (1 of 4 stars; one submission).

gnomAD v4.1: 2 of 1,539,526 alleles (0.00013%); highest among the groups gnomAD compares: Non-Finnish European, 0.000087%; no homozygotes.

Submission:

Dasa
Classification: Uncertain significance. Last evaluated: 2025-10-13. Review status: criteria provided, single submitter. Criteria: DASA Assertion Criteria. Collection method: clinical testing. Allele origin: germline.
Comment: NM_001384474.1(LOXHD1):c.2662G>A (p.Gly888Arg) is a missense variant that results in the substitution of glycine with arginine. Multiple computational predictions suggest no deleterious effect on the gene or gene product. The variant is present at low frequency in population datasets. Based on the available data, this variant is classified as variant of uncertain significance.

NM_001384474.1(LOXHD1):c.2662G>A (p.Gly888Arg)

Gene: LOXHD1 (lipoxygenase homology PLAT domains 1; minus strand). Cytogenetic location: 18q21.1.
Variant type: single nucleotide variant.
Coding change: c.2662G>A on transcript NM_001384474.1 (MANE Select); coding-DNA position 2662, G replaced by A.
Protein change: p.Gly888Arg; replaces glycine 888 with arginine.
Molecular consequence: missense variant.
Genome position (GRCh38, 1-based): chr18:46,560,482, C>T on the plus strand (G>A on the coding strand, the complement: LOXHD1 is on the minus strand). VCF-style: chr18-46560482-C-T. GRCh37 (hg19) VCF-style: chr18-44140445-C-T.
Other names: c.2662G>A, p.Gly888Arg (NM_144612.7); short protein forms G888R.
Identifiers: ClinVar variation 4851914 (VCV004851914.1).